The following is an entry in ClinVar:

ClinVar aggregate classification (germline): Uncertain significance. Review status: criteria provided, multiple submitters, no conflicts (2 of 4 stars). 4 submissions from 4 submitters: Uncertain significance (2). 2 of the submissions do not count toward it. Last evaluated 2025-08-06.

Conditions:
Cardiovascular phenotype. Identifiers: MedGen CN230736.
Hypertrophic cardiomyopathy. Also called: HYPERTROPHIC MYOCARDIOPATHY. Identifiers: Orphanet 217569, MedGen C0007194, MeSH D002312, MONDO:0005045, HP:0001639.

Submissions (4):

Labcorp Genetics (formerly Invitae), Labcorp
Classification: Uncertain significance for Hypertrophic cardiomyopathy. Last evaluated: 2025-08-06. Review status: criteria provided, single submitter. Criteria: Invitae Variant Classification Sherloc (09022015). Collection method: clinical testing. Allele origin: germline.
Comment: This sequence change replaces phenylalanine, which is neutral and non-polar, with serine, which is neutral and polar, at codon 230 of the MYH7 protein (p.Phe230Ser). This variant is not present in population databases (gnomAD no frequency). This missense change has been observed in individual(s) with MYH7-related cardiomyopathy (PMID: 28855170, 29447731). ClinVar contains an entry for this variant (Variation ID: 263543). Invitae Evidence Modeling of protein sequence and biophysical properties (such as structural, functional, and spatial information, amino acid conservation, physicochemical variation, residue mobility, and thermodynamic stability) indicates that this missense variant is expected to disrupt MYH7 protein function with a positive predictive value of 95%. This variant is found within a region of MYH7 between codons 181 and 937 that contains the majority of the myosin head domain. Missense variants in this region have been shown to be significantly overrepresented in individuals with hypertrophic cardiomyopathy (PMID: 27532257). In summary, the available evidence is currently insufficient to determine the role of this variant in disease. Therefore, it has been classified as a Variant of Uncertain Significance.

Ambry Genetics
Classification: Uncertain significance for Cardiovascular phenotype. Last evaluated: 2013-02-27. Review status: criteria provided, single submitter. Criteria: Ambry Autosomal Dominant and X-Linked criteria (10/2015). Collection method: clinical testing. Allele origin: germline. Observed: 1 variant allele.
Comment: The p.F230S variant (also known as c.689T>C) is located in exon 7 (coding exon 6) of the MYH7 gene. This alteration results from a T to C substitution at nucleotide position 689. The phenylalanine at codon 230 is replaced by serine, an amino acid with highly dissimilar properties. This variant is not reported in the literature, but it is located in the head region of the MYH7 gene, which extends from exon 3 to part way through exon 21. In one paper assessing genotype-phenotype correlations in MYH7 mutations, authors observed that there are proportionately more MYH7 mutations in the head and neck regions than in the tail. Furthermore, data suggest that variants in the head of the gene that cause large changes in the hydropathy of the amino acid and non-conservative mutations are more likely to lead to a severe phenotype (Walsh R et al. Cardiology. 2010;115:49&ndash;60). The phenylalanine to serine change that results from this alteration meets this criterion for large changes. This variant was not reported in population-based cohorts in the following databases: Database of Single Nucleotide Polymorphisms (dbSNP), NHLBI Exome Sequencing Project (ESP) and 1000 Genomes Project. In the ESP, this variant was not observed among 6503 samples (13,006 alleles) tested. Based on protein sequence alignment, this amino acid position is conserved in available vertebrate species. In addition, this alteration is predicted to be deleterious by in silico analysis. Since supporting evidence, particularly regarding segregation of this variant with disease and functional consequences of this specific alteration, is limited at this time, the clinical significance of this variant remains unclear.

Clinical Genetics, Academic Medical Center
Classification: Likely pathogenic. Review status: no assertion criteria provided. Collection method: clinical testing. Allele origin: germline. Affected: yes. Study: VKGL Data-share Consensus. Not counted in ClinVar's aggregate classification.

Genome Diagnostics Laboratory, University Medical Center Utrecht
Classification: Likely pathogenic. Review status: no assertion criteria provided. Collection method: clinical testing. Allele origin: germline. Affected: yes. Study: VKGL Data-share Consensus. Not counted in ClinVar's aggregate classification.

Literature cited by the submitters: PubMed 28855170 (cited by Labcorp Genetics (formerly Invitae), Labcorp); PubMed 29447731 (cited by Labcorp Genetics (formerly Invitae), Labcorp); PubMed 27532257 (cited by Labcorp Genetics (formerly Invitae), Labcorp).

NM_000257.4(MYH7):c.689T>C (p.Phe230Ser)

Gene: MYH7 (myosin heavy chain 7; minus strand). Cytogenetic location: 14q11.2.
Variant type: single nucleotide variant.
Coding change: c.689T>C on transcript NM_000257.4 (MANE Select); coding-DNA position 689, T replaced by C.
Protein change: p.Phe230Ser; replaces phenylalanine 230 with serine.
Molecular consequence: missense variant.
Genome position (GRCh38, 1-based): chr14:23,431,628, A>G on the plus strand (T>C on the coding strand, the complement: MYH7 is on the minus strand). VCF-style: chr14-23431628-A-G. GRCh37 (hg19) VCF-style: chr14-23900837-A-G.
Other names: c.689T>C (LRG_384t1); short protein forms F230S.
Identifiers: ClinVar variation 263543 (VCV000263543.14), dbSNP rs886038844, ClinGen allele CA10587777.